The following is an entry in ClinVar:

NM_012092.4(ICOS):c.512C>A (p.Ser171Tyr)

Gene: ICOS (inducible T cell costimulator; plus strand). Cytogenetic location: 2q33.2.
Variant type: single nucleotide variant.
Coding change: c.512C>A on transcript NM_012092.4 (MANE Select); coding-DNA position 512, C replaced by A.
Protein change: p.Ser171Tyr; replaces serine 171 with tyrosine.
Molecular consequence: missense variant.
Genome position (GRCh38, 1-based): chr2:203,957,809, C>A. VCF-style: chr2-203957809-C-A. GRCh37 (hg19) VCF-style: chr2-204822532-C-A.
Other names: short protein forms S171Y.
Identifiers: ClinVar variation 936305 (VCV000936305.10), dbSNP rs780326986, ClinGen allele CA2067315.

ClinVar aggregate classification (germline): Uncertain significance. Review status: criteria provided, multiple submitters, no conflicts (2 of 4 stars). 2 submissions from 2 submitters: Uncertain significance (2). Last evaluated 2024-12-25.

Conditions:
Immunodeficiency, common variable, 1. Also called: ANTIBODY DEFICIENCY DUE TO ICOS DEFECT. Identifiers: Orphanet 1572, Orphanet 695183, MedGen C3149378, MONDO:0011864, OMIM 607594.

Allele frequency attached by ClinVar (database versions not stated): ExAC 0.00001; gnomAD exomes 0.00003 and 0.00006; gnomAD 0.00005 and 0.00006; TOPMed 0.00005.
gnomAD v4.1: 93 of 1,611,880 alleles (0.0058%); highest among the groups gnomAD compares: Non-Finnish European, 0.0072%; no homozygotes.

Submissions (2):

Labcorp Genetics (formerly Invitae), Labcorp
Classification: Uncertain significance for Immunodeficiency, common variable, 1. Last evaluated: 2024-12-25. Review status: criteria provided, single submitter. Criteria: Invitae Variant Classification Sherloc (09022015). Collection method: clinical testing. Allele origin: germline.
Comment: This sequence change replaces serine, which is neutral and polar, with tyrosine, which is neutral and polar, at codon 171 of the ICOS protein (p.Ser171Tyr). This variant is present in population databases (rs780326986, gnomAD 0.007%). This variant has not been reported in the literature in individuals affected with ICOS-related conditions. ClinVar contains an entry for this variant (Variation ID: 936305). An algorithm developed to predict the effect of missense changes on protein structure and function (PolyPhen-2) suggests that this variant is likely to be disruptive. In summary, the available evidence is currently insufficient to determine the role of this variant in disease. Therefore, it has been classified as a Variant of Uncertain Significance.

Blueprint Genetics
Classification: Uncertain significance. Last evaluated: 2024-03-03. Review status: criteria provided, single submitter. Criteria: ACMG Guidelines, 2015. Collection method: clinical testing. Allele origin: germline.